The following is an entry in ClinVar:

ClinVar aggregate classification (germline): Conflicting classifications of pathogenicity. Review status: criteria provided, conflicting classifications (1 of 4 stars). 2 submissions from 2 submitters: Uncertain significance (1); Likely benign (1). Last evaluated 2026-04-13.

Conditions:
Inborn genetic diseases. Identifiers: MedGen C0950123, MeSH D030342.

Allele frequency attached by ClinVar (database versions not stated): gnomAD 0.00001; gnomAD exomes 0.00001; TOPMed 0.00001.
gnomAD v4.1: 9 of 1,613,024 alleles (0.00056%); highest among the groups gnomAD compares: Middle Eastern, 0.016%; no homozygotes.

Submissions (2):

Ambry Genetics
Classification: Likely benign for Inborn genetic diseases. Last evaluated: 2026-04-13. Review status: criteria provided, single submitter. Criteria: Ambry Variant Classification Scheme 2023. Collection method: clinical testing. Allele origin: germline.

Labcorp Genetics (formerly Invitae), Labcorp
Classification: Uncertain significance. Last evaluated: 2025-04-10. Review status: criteria provided, single submitter. Criteria: Invitae Variant Classification Sherloc (09022015). Collection method: clinical testing. Allele origin: germline.
Comment: This sequence change falls in intron 10 of the DDX41 gene. It does not directly change the encoded amino acid sequence of the DDX41 protein. It affects a nucleotide within the consensus splice site. This variant is present in population databases (no rsID available, gnomAD 0.003%). This variant has not been reported in the literature in individuals affected with DDX41-related conditions. ClinVar contains an entry for this variant (Variation ID: 2082376). Variants that disrupt the consensus splice site are a relatively common cause of aberrant splicing (PMID: 17576681, 9536098). Algorithms developed to predict the effect of sequence changes on RNA splicing suggest that this variant is not likely to affect RNA splicing. In summary, the available evidence is currently insufficient to determine the role of this variant in disease. Therefore, it has been classified as a Variant of Uncertain Significance.

Literature cited by the submitters: PubMed 17576681 (cited by Labcorp Genetics (formerly Invitae), Labcorp); PubMed 9536098 (cited by Labcorp Genetics (formerly Invitae), Labcorp).

NM_016222.4(DDX41):c.1098+5C>T

Gene: DDX41 (DEAD-box helicase 41; minus strand). Cytogenetic location: 5q35.3.
Variant type: single nucleotide variant.
Coding change: c.1098+5C>T on transcript NM_016222.4 (MANE Select); 5 bases into the intron after coding-DNA position 1098, C replaced by T.
Molecular consequence: intron variant.
Genome position (GRCh38, 1-based): chr5:177,513,680, G>A on the plus strand (C>T on the coding strand, the complement: DDX41 is on the minus strand). VCF-style: chr5-177513680-G-A. GRCh37 (hg19) VCF-style: chr5-176940681-G-A.
Other names: c.720+5C>T (NM_001321830.2, NM_001321732.2); c.1098+5C>T (NM_016222.2).
Identifiers: ClinVar variation 2082376 (VCV002082376.6), dbSNP rs1000656772, ClinGen allele CA132890911.